The following is an entry in ClinVar:

NP_000531.2:p.L4647del

Variant type: Deletion.
Identifiers: ClinVar variation 65960 (VCV000065960.2).

ClinVar aggregate classification (germline): Pathogenic (0 of 4 stars; one submission).

Conditions:
Central core myopathy (CMYO1A). Also called: Central core disease; Myopathy, central fibrillar; CONGENITAL MYOPATHY 1A, AUTOSOMAL DOMINANT, WITH SUSCEPTIBILITY TO MALIGNANT HYPERTHERMIA. Identifiers: Orphanet 597, MedGen C5830701, MONDO:0007294, OMIM 117000.

Submission:

GeneReviews
Classification: Pathogenic for Central Core Disease. Last evaluated: 2010-05-11. Review status: no assertion criteria provided. Collection method: curation. Allele origin: unknown.
ClinVar note: Converted during submission from pathologic to Pathogenic.